The following is an entry in ClinVar:

ClinVar aggregate classification (germline): Uncertain significance (1 of 4 stars; one submission).

Conditions:
Atrial fibrillation, familial, 7 (ATFB7). Identifiers: MedGen C2677106, MONDO:0012828, OMIM 612240.

gnomAD v4.1: 1 of 1,614,168 alleles (0.000062%); highest among the groups gnomAD compares: East Asian, 0.0022%; no homozygotes.

Submission:

Labcorp Genetics (formerly Invitae), Labcorp
Classification: Uncertain significance for Atrial fibrillation, familial, 7. Last evaluated: 2025-11-30. Review status: criteria provided, single submitter. Criteria: Invitae Variant Classification Sherloc (09022015). Collection method: clinical testing. Allele origin: germline.
Comment: This sequence change replaces arginine, which is basic and polar, with cysteine, which is neutral and slightly polar, at codon 167 of the KCNA5 protein (p.Arg167Cys). This variant is not present in population databases (gnomAD no frequency). This variant has not been reported in the literature in individuals affected with KCNA5-related conditions. Invitae Evidence Modeling of protein sequence and biophysical properties (such as structural, functional, and spatial information, amino acid conservation, physicochemical variation, residue mobility, and thermodynamic stability) indicates that this missense variant is expected to disrupt KCNA5 protein function with a positive predictive value of 80%. In summary, the available evidence is currently insufficient to determine the role of this variant in disease. Therefore, it has been classified as a Variant of Uncertain Significance.

NM_002234.4(KCNA5):c.499C>T (p.Arg167Cys)

Gene: KCNA5 (potassium voltage-gated channel subfamily A member 5; plus strand). Cytogenetic location: 12p13.32.
Variant type: single nucleotide variant.
Coding change: c.499C>T on transcript NM_002234.4 (MANE Select); coding-DNA position 499, C replaced by T.
Protein change: p.Arg167Cys; replaces arginine 167 with cysteine.
Molecular consequence: missense variant.
Genome position (GRCh38, 1-based): chr12:5,044,646, C>T. VCF-style: chr12-5044646-C-T. GRCh37 (hg19) VCF-style: chr12-5153812-C-T.
Other names: short protein forms R167C.
Identifiers: ClinVar variation 4750447 (VCV004750447.1).